The following is an entry in ClinVar:

ClinVar aggregate classification (germline): Uncertain significance (1 of 4 stars; one submission).

Conditions:
Neonatal-onset encephalopathy with rigidity and seizures. Also called: Lethal neonatal spasticity-epileptic encephalopathy syndrome. Identifiers: Orphanet 435845, MedGen C3281029, MONDO:0013784, OMIM 614498.

Submission:

Labcorp Genetics (formerly Invitae), Labcorp
Classification: Uncertain significance for Neonatal-onset encephalopathy with rigidity and seizures. Last evaluated: 2022-03-18. Review status: criteria provided, single submitter. Criteria: Invitae Variant Classification Sherloc (09022015). Collection method: clinical testing. Allele origin: germline.
Comment: This sequence change replaces glycine, which is neutral and non-polar, with glutamic acid, which is acidic and polar, at codon 667 of the BRAT1 protein (p.Gly667Glu). This variant is not present in population databases (gnomAD no frequency). This variant has not been reported in the literature in individuals affected with BRAT1-related conditions. Algorithms developed to predict the effect of missense changes on protein structure and function are either unavailable or do not agree on the potential impact of this missense change (SIFT: "Tolerated"; PolyPhen-2: "Possibly Damaging"; Align-GVGD: "Class C0"). In summary, the available evidence is currently insufficient to determine the role of this variant in disease. Therefore, it has been classified as a Variant of Uncertain Significance.

NM_152743.4(BRAT1):c.2000G>A (p.Gly667Glu)

Gene: BRAT1 (BRCA1 associated ATM activator 1; minus strand). Cytogenetic location: 7p22.3.
Variant type: single nucleotide variant.
Coding change: c.2000G>A on transcript NM_152743.4 (MANE Select); coding-DNA position 2000, G replaced by A.
Protein change: p.Gly667Glu; replaces glycine 667 with glutamic acid.
Molecular consequence: missense variant. On other transcripts: non-coding transcript variant (1).
Genome position (GRCh38, 1-based): chr7:2,538,535, C>T on the plus strand (G>A on the coding strand, the complement: BRAT1 is on the minus strand). VCF-style: chr7-2538535-C-T. GRCh37 (hg19) VCF-style: chr7-2578169-C-T.
Other names: c.2180G>A, p.Gly727Glu (NM_001350626.2); c.1475G>A, p.Gly492Glu (NM_001350627.2); short protein forms G492E, G727E, G667E.
Identifiers: ClinVar variation 1493173 (VCV001493173.6), dbSNP rs2128384142, ClinGen allele CA366624979.